The following is an entry in ClinVar:

NC_012920.1(MT-TC):m.5817C>T

Gene: MT-TC (mitochondrially encoded tRNA cysteine; minus strand).
Variant type: single nucleotide variant.
Genome position: chrM-5817-C-T.
Identifiers: ClinVar variation 690003 (VCV000690003.1), dbSNP rs1603220138, ClinGen allele CA913180550.

ClinVar aggregate classification (germline): Benign (1 of 4 stars; one submission).

Conditions:
MELAS syndrome (MELAS). Also called: Juvenile myopathy, encephalopathy, lactic acidosis, stroke. Identifiers: Orphanet 550, MedGen C0162671, MONDO:0010789, OMIM 540000.

Submission:

Wong Mito Lab, Molecular and Human Genetics, Baylor College of Medicine
Classification: Benign for MELAS syndrome. Last evaluated: 2019-07-12. Review status: criteria provided, single submitter. Criteria: Modified ACMG Guidelines (Unpublished). Collection method: clinical testing. Allele origin: germline.
Comment: The NC_012920.1:m.5817C>T variant in MT-TC gene is interpreted to be a Benign variant based on the modified ACMG guidelines (unpublished). This variant meets the following evidence codes reported in the guidelines: BS1, BS2, BP4

Literature cited by the submitters: PubMed 31965079.